The following is an entry in ClinVar:

ClinVar aggregate classification (germline): Conflicting classifications of pathogenicity. Review status: criteria provided, conflicting classifications (1 of 4 stars). 18 submissions from 14 submitters: Uncertain significance (3); Benign (5); Likely benign (7). 3 of the submissions do not count toward it. Last evaluated 2026-07-01.

Conditions:
TTN-related disorder. Also called: TTN-related disorders; TTN-related condition; TTN-related disease.
Cardiovascular phenotype. Identifiers: MedGen CN230736.
Autosomal recessive limb-girdle muscular dystrophy type 2J (LGMDR10). Also called: MUSCULAR DYSTROPHY, LIMB-GIRDLE, AUTOSOMAL RECESSIVE 10; Limb-girdle muscular dystrophy, type 2J. Identifiers: Orphanet 140922, MedGen C1837342, MONDO:0012127, OMIM 608807.
Dilated cardiomyopathy 1G (CMD1G). Identifiers: Orphanet 154, MedGen C1858763, MONDO:0011400, OMIM 604145.
Early-onset myopathy with fatal cardiomyopathy (CMYO5). Also called: CONGENITAL MYOPATHY 5 WITH CARDIOMYOPATHY; Salih Myopathy. Identifiers: Orphanet 289377, MedGen C2673677, MONDO:0012714, OMIM 611705. Disease mechanism: loss of function.
Myopathy, myofibrillar, 9, with early respiratory failure (MFM9). Also called: Myopathy, distal, with early respiratory failure, autosomal dominant; Hereditary myopathy with early respiratory failure; EDSTROM MYOPATHY; MYOPATHY, PROXIMAL, WITH EARLY RESPIRATORY MUSCLE INVOLVEMENT. Identifiers: Orphanet 178464, Orphanet 34521, MedGen C1863599, MONDO:0011362, OMIM 603689.
Tibial muscular dystrophy (TMD). Also called: Tibial muscular dystrophy, tardive; Udd Distal Myopathy – Tibial Muscular Dystrophy; UDD MYOPATHY. Identifiers: Orphanet 609, MedGen C1838244, MONDO:0010870, OMIM 600334.

Allele frequency attached by ClinVar (database versions not stated): 1000 Genomes Project 30x 0.00109; gnomAD 0.00153 and 0.00170; gnomAD exomes 0.00047 and 0.00016; TOPMed 0.00165; ExAC 0.00051; ESP Exome Variant Server 0.00172; 1000 Genomes Project 0.00120.
gnomAD v4.1: 478 of 1,613,700 alleles (0.03%); highest among the groups gnomAD compares: African/African-American, 0.52%; 1 homozygote.

Submissions (18):

CeGaT Center for Human Genetics Tuebingen
Classification: Likely benign. Last evaluated: 2026-07-01. Review status: criteria provided, single submitter. Criteria: CeGaT Center For Human Genetics Tuebingen Variant Classification Criteria Version 2. Collection method: clinical testing. Allele origin: germline. Affected: yes. Observed: 3 variant alleles.
Comment: TTN: BS1

Labcorp Genetics (formerly Invitae), Labcorp
Classification: Benign for Dilated cardiomyopathy 1G; Autosomal recessive limb-girdle muscular dystrophy type 2J. Last evaluated: 2026-02-03. Review status: criteria provided, single submitter. Criteria: Invitae Variant Classification Sherloc (09022015). Collection method: clinical testing. Allele origin: germline.

Molecular Diagnostic Laboratory for Inherited Cardiovascular Disease, Montreal Heart Institute
Classification: Benign. Last evaluated: 2025-04-09. Review status: criteria provided, single submitter. Criteria: ACMG Guidelines, 2015. Collection method: clinical testing. Allele origin: germline. Affected: no.

Blueprint Genetics
Classification: Likely benign. Last evaluated: 2024-10-26. Review status: criteria provided, single submitter. Criteria: ACMG Guidelines, 2015. Collection method: clinical testing. Allele origin: germline.

Mayo Clinic Laboratories, Mayo Clinic
Classification: Likely benign. Last evaluated: 2024-07-25. Review status: criteria provided, single submitter. Criteria: ACMG Guidelines, 2015. Collection method: clinical testing. Allele origin: germline. Observed: 4 variant alleles.
Comment: BS1, BP4

GeneDx
Classification: Likely benign. Last evaluated: 2020-09-28. Review status: criteria provided, single submitter. Criteria: GeneDx Variant Classification Process June 2021. Collection method: clinical testing. Allele origin: germline. Affected: yes.
Comment: This variant is associated with the following publications: (PMID: 24503780)

Women's Health and Genetics/Laboratory Corporation of America, LabCorp
Classification: Benign. Last evaluated: 2020-08-10. Review status: criteria provided, single submitter. Criteria: LabCorp Variant Classification Summary - May 2015. Collection method: clinical testing. Allele origin: germline.
Comment: Variant summary: TTN c.96661G>A (p.Glu32221Lys) results in a conservative amino acid change located in the M-band of the encoded protein sequence. Four of five in-silico tools predict a benign effect of the variant on protein function. The variant allele was found at a frequency of 0.00047 in 247998 control chromosomes, predominantly at a frequency of 0.006 within the African or African-American subpopulation in the gnomAD database. The observed variant frequency within African or African-American control individuals in the gnomAD database is approximately 15 fold of the estimated maximal expected allele frequency for a pathogenic variant in TTN causing Dilated Cardiomyopathy phenotype (0.00039), strongly suggesting that the variant is a benign polymorphism found primarily in populations of African or African-American origin. Seven clinical diagnostic laboratories have submitted clinical-significance assessments for this variant to ClinVar after 2014 without evidence for independent evaluation (benign/likely benign n=6, VUS n=1). Based on the evidence outlined above, the variant was classified as benign.

Ambry Genetics
Classification: Likely benign for Cardiovascular phenotype. Last evaluated: 2018-10-17. Review status: criteria provided, single submitter. Criteria: Ambry Variant Classification Scheme 2023. Collection method: clinical testing. Allele origin: germline.

Illumina Laboratory Services, Illumina
Classification: Uncertain significance for Dilated cardiomyopathy 1G. Last evaluated: 2018-01-12. Review status: criteria provided, single submitter. Criteria: ICSL Variant Classification Criteria 13 December 2019. Collection method: clinical testing. Allele origin: germline.

Illumina Laboratory Services, Illumina
Classification: Uncertain significance for Autosomal recessive limb-girdle muscular dystrophy type 2J. Last evaluated: 2018-01-12. Review status: criteria provided, single submitter. Criteria: ICSL Variant Classification Criteria 13 December 2019. Collection method: clinical testing. Allele origin: germline.

Illumina Laboratory Services, Illumina
Classification: Uncertain significance for Early-onset myopathy with fatal cardiomyopathy. Last evaluated: 2018-01-12. Review status: criteria provided, single submitter. Criteria: ICSL Variant Classification Criteria 13 December 2019. Collection method: clinical testing. Allele origin: germline.

Illumina Laboratory Services, Illumina
Classification: Benign for Tibial muscular dystrophy. Last evaluated: 2018-01-12. Review status: criteria provided, single submitter. Criteria: ICSL Variant Classification Criteria 13 December 2019. Collection method: clinical testing. Allele origin: germline.
Comment: This variant was observed in the ICSL laboratory as part of a predisposition screen in an ostensibly healthy population. It had not been previously curated by ICSL or reported in the Human Gene Mutation Database (HGMD: prior to June 1st, 2018), and was therefore a candidate for classification through an automated scoring system. Utilizing variant allele frequency, disease prevalence and penetrance estimates, and inheritance mode, an automated score was calculated to assess if this variant is too frequent to cause the disease. Based on the score and internal cut-off values, a variant classified as benign is not then subjected to further curation. The score for this variant resulted in a classification of benign for this disease.

Illumina Laboratory Services, Illumina
Classification: Benign for Myopathy, myofibrillar, 9, with early respiratory failure. Last evaluated: 2018-01-12. Review status: criteria provided, single submitter. Criteria: ICSL Variant Classification Criteria 13 December 2019. Collection method: clinical testing. Allele origin: germline.
Comment: the same text as in the submission from Illumina Laboratory Services, Illumina above.

Eurofins Ntd Llc (ga)
Classification: Likely benign. Last evaluated: 2016-08-19. Review status: criteria provided, single submitter. Criteria: EGL Classification Definitions 2015. Collection method: clinical testing. Allele origin: germline. Observed: 4 variant alleles, 4 heterozygotes.

Laboratory for Molecular Medicine, Mass General Brigham Personalized Medicine
Classification: Likely benign. Last evaluated: 2016-06-10. Review status: criteria provided, single submitter. Criteria: LMM Criteria. Collection method: clinical testing. Allele origin: germline. Observed: 3 variant alleles.
Comment: p.Glu32221Lys in exon 307 of TTN: This variant is not expected to have clinical significance because it has been identified in 0.5% (54/9780) of African chromos omes by the Exome Aggregation Consortium (ExAC; dbSNP rs190565627).

PreventionGenetics, part of Exact Sciences
Classification: Likely benign for TTN-related condition. Last evaluated: 2020-05-26. Review status: no assertion criteria provided. Collection method: clinical testing. Allele origin: germline. Not counted in ClinVar's aggregate classification.
Comment: This variant is classified as likely benign based on ACMG/AMP sequence variant interpretation guidelines (Richards et al. 2015 PMID: 25741868, with internal and published modifications).

Clinical Genetics DNA and cytogenetics Diagnostics Lab, Erasmus MC, Erasmus Medical Center
Classification: Likely benign. Review status: no assertion criteria provided. Collection method: clinical testing. Allele origin: germline. Affected: yes. Study: VKGL Data-share Consensus. Not counted in ClinVar's aggregate classification.

Clinical Genetics, Academic Medical Center
Classification: Benign. Review status: no assertion criteria provided. Collection method: clinical testing. Allele origin: germline. Affected: yes. Study: VKGL Data-share Consensus. Not counted in ClinVar's aggregate classification.

NM_001267550.2(TTN):c.104365G>A (p.Glu34789Lys)

Genes: TTN (titin; minus strand), TTN-AS1 (TTN antisense RNA 1; plus strand). Cytogenetic location: 2q31.2.
Variant type: single nucleotide variant.
Coding change: c.104365G>A on transcript NM_001267550.2 (MANE Select); coding-DNA position 104365, G replaced by A.
Protein change: p.Glu34789Lys; replaces glutamic acid 34789 with lysine.
Molecular consequence: missense variant.
Genome position (GRCh38, 1-based): chr2:178,532,250, C>T on the plus strand (G>A on the coding strand, the complement: TTN is on the minus strand). VCF-style: chr2-178532250-C-T. GRCh37 (hg19) VCF-style: chr2-179396977-C-T.
Other names: p.E33148K:GAA>AAA; p.Glu33148Lys; c.99442G>A, p.Glu33148Lys (NM_001256850.1); c.77170G>A, p.Glu25724Lys (NM_003319.4); c.96661G>A, p.Glu32221Lys (NM_133378.4); c.77545G>A, p.Glu25849Lys (NM_133432.3); c.77746G>A, p.Glu25916Lys (NM_133437.4); short protein forms E34789K, E32221K, E33148K, E25724K, E25916K, E25849K.
Identifiers: ClinVar variation 47669 (VCV000047669.59), dbSNP rs190565627, ClinGen allele CA141665.
Genomic context (GRCh38, chr2:178,532,250, plus strand): 5'-CTTCTCTTTGTCGCCTTGATTTCTTTCTAGACTTTTCCTCCTTTGACATGAAGTCAAGTT[C>T]GCTTTTGTATTCTGAGAGATGCTGGGTGGTCGTAACTGGGCGAAGCAACTCTTCATCCTC-3'
Protein context (NP_001254479.2, residues 34779-34799): TTQHLSEYKS[Glu34789Lys]LDFMSKEEKS